The following continues an entry in ClinVar:

NM_000350.3(ABCA4):c.2588G>C (p.Gly863Ala)

Gene: ABCA4. ClinVar aggregate classification (germline): Uncertain significance. Uncertain significance (1).

Submissions 49 to 53 of 53:

Joint Genome Diagnostic Labs from Nijmegen and Maastricht, Radboudumc and MUMC+
Classification: Likely pathogenic. Review status: no assertion criteria provided. Collection method: clinical testing. Allele origin: germline. Affected: yes. Study: VKGL Data-share Consensus. Not counted in ClinVar's aggregate classification.

Ophthalmo-Genetics Lab, Instituto de Oftalmologia Conde de Valenciana
Classification: Likely pathogenic for Stargardt disease 3. Review status: no assertion criteria provided. Collection method: research. Allele origin: germline. Inheritance: Autosomal recessive inheritance. Affected: yes. Not counted in ClinVar's aggregate classification.

Retina International
No classification provided. Review status: no classification provided. Collection method: not provided. Allele origin: unknown. Not counted in ClinVar's aggregate classification.

Centre for Mendelian Genomics, University Medical Centre Ljubljana
Classification: Uncertain significance for Age related macular degeneration 2. Last evaluated: 2016-01-01. Review status: flagged submission. Criteria: ACMG Guidelines, 2015. Collection method: clinical testing. Allele origin: unknown. Affected: yes. Not counted in ClinVar's aggregate classification.
Comment: This variant was classified as: Uncertain significance.
ClinVar note: Reason: Outlier claim with insufficient supporting evidence

Centre for Mendelian Genomics, University Medical Centre Ljubljana
Classification: Uncertain significance for Abnormal macular morphology; Peripheral neuropathy. Last evaluated: 2013-11-28. Review status: flagged submission. Criteria: ACMG Guidelines, 2015. Collection method: clinical testing. Allele origin: unknown. Affected: yes. Not counted in ClinVar's aggregate classification.
ClinVar note: Reason: Outlier claim with insufficient supporting evidence

Literature cited by the submitters: PubMed 32531858 (cited by 3 submitters); PubMed 23144455 (cited by 4 submitters); PubMed 23695285 (cited by 5 submitters); PubMed 10090887 (cited by 9 submitters); PubMed 11919200 (cited by 8 submitters); PubMed 11017087 (cited by 9 submitters); PubMed 10612508 (cited by 9 submitters); PubMed 10634594 (cited by Labcorp Genetics (formerly Invitae), Labcorp and Genetics and Molecular Pathology, SA Pathology); PubMed 12192456 (cited by 4 submitters); PubMed 9054934 (cited by 9 submitters); PubMed 26247787 (cited by 3 submitters); PubMed 25097241 (cited by 3 submitters); PubMed 28041643 (cited by 4 submitters); PubMed 31816670 (cited by Variantyx, Inc. and Institute of Human Genetics, Univ. Regensburg, Univ. Regensburg); PubMed 30718709 (cited by 4 submitters); PubMed 25082885 (cited by 4 submitters); PubMed 28341476 (cited by Variantyx, Inc. and Institute of Human Genetics, Univ. Regensburg, Univ. Regensburg); PubMed 32845050 (cited by Variantyx, Inc. and Institute of Human Genetics, Univ. Regensburg, Univ. Regensburg); PubMed 29162642 (cited by Variantyx, Inc. and Institute of Human Genetics, Univ. Regensburg, Univ. Regensburg); PubMed 30670881 (cited by Variantyx, Inc.); PubMed 28446513 (cited by 4 submitters); PubMed 32619608 (cited by 3billion and Institute of Human Genetics, Univ. Regensburg, Univ. Regensburg); PubMed 3002862 (cited by Institute of Human Genetics, Univ. Regensburg, Univ. Regensburg); PubMed 20981092 (cited by Institute of Human Genetics, Univ. Regensburg, Univ. Regensburg); PubMed 22264887 (cited by Institute of Human Genetics, Univ. Regensburg, Univ. Regensburg and Eurofins Ntd Llc (ga)); PubMed 24082139 (cited by Institute of Human Genetics, Univ. Regensburg, Univ. Regensburg); PubMed 24713488 (cited by 3 submitters); PubMed 25333069 (cited by Institute of Human Genetics, Univ. Regensburg, Univ. Regensburg); PubMed 24154662 (cited by Institute of Human Genetics, Univ. Regensburg, Univ. Regensburg and Eurofins Ntd Llc (ga)); PubMed 25283059 (cited by Institute of Human Genetics, Univ. Regensburg, Univ. Regensburg); PubMed 28559085 (cited by Institute of Human Genetics, Univ. Regensburg, Univ. Regensburg); PubMed 29555955 (cited by Institute of Human Genetics, Univ. Regensburg, Univ. Regensburg); PubMed 30215852 (cited by Institute of Human Genetics, Univ. Regensburg, Univ. Regensburg); PubMed 29310964 (cited by Institute of Human Genetics, Univ. Regensburg, Univ. Regensburg); PubMed 29431110 (cited by Institute of Human Genetics, Univ. Regensburg, Univ. Regensburg); PubMed 30609409 (cited by Institute of Human Genetics, Univ. Regensburg, Univ. Regensburg); PubMed 29925512 (cited by Institute of Human Genetics, Univ. Regensburg, Univ. Regensburg); PubMed 30643219 (cited by Institute of Human Genetics, Univ. Regensburg, Univ. Regensburg); PubMed 32467599 (cited by Institute of Human Genetics, Univ. Regensburg, Univ. Regensburg); PubMed 31964843 (cited by Institute of Human Genetics, Univ. Regensburg, Univ. Regensburg); PubMed 31429209 (cited by Institute of Human Genetics, Univ. Regensburg, Univ. Regensburg); PubMed 31980526 (cited by Institute of Human Genetics, Univ. Regensburg, Univ. Regensburg); PubMed 32307445 (cited by Institute of Human Genetics, Univ. Regensburg, Univ. Regensburg); PubMed 32913387 (cited by Institute of Human Genetics, Univ. Regensburg, Univ. Regensburg); PubMed 32036094 (cited by Institute of Human Genetics, Univ. Regensburg, Univ. Regensburg); PubMed 32815999 (cited by Institute of Human Genetics, Univ. Regensburg, Univ. Regensburg); PubMed 31456290 (cited by Institute of Human Genetics, Univ. Regensburg, Univ. Regensburg); PubMed 32581362 (cited by Institute of Human Genetics, Univ. Regensburg, Univ. Regensburg); PubMed 32037395 (cited by Institute of Human Genetics, Univ. Regensburg, Univ. Regensburg); PubMed 33706644 (cited by Institute of Human Genetics, Univ. Regensburg, Univ. Regensburg); PubMed 34426522 (cited by Institute of Human Genetics, Univ. Regensburg, Univ. Regensburg); PubMed 34570182 (cited by Institute of Human Genetics, Univ. Regensburg, Univ. Regensburg); PubMed 35119454 (cited by Institute of Human Genetics, Univ. Regensburg, Univ. Regensburg); PubMed 36460718 (cited by Institute of Human Genetics, Univ. Regensburg, Univ. Regensburg); PubMed 35886001 (cited by Institute of Human Genetics, Univ. Regensburg, Univ. Regensburg); PubMed 35076026 (cited by Institute of Human Genetics, Univ. Regensburg, Univ. Regensburg); PubMed 35753512 (cited by Institute of Human Genetics, Univ. Regensburg, Univ. Regensburg); PubMed 35657619 (cited by Institute of Human Genetics, Univ. Regensburg, Univ. Regensburg); PubMed 36672815 (cited by Institute of Human Genetics, Univ. Regensburg, Univ. Regensburg); PubMed 28118664 (cited by Institute of Human Genetics, Univ. Regensburg, Univ. Regensburg); PubMed 11444963 (cited by Victorian Clinical Genetics Services, Murdoch Childrens Research Institute); PubMed 28044389 (cited by Victorian Clinical Genetics Services, Murdoch Childrens Research Institute); PubMed 31522899 (cited by Victorian Clinical Genetics Services, Murdoch Childrens Research Institute); PubMed 32278709 (cited by Victorian Clinical Genetics Services, Murdoch Childrens Research Institute); PubMed 34906470 (cited by Broad Center for Mendelian Genomics, Broad Institute of MIT and Harvard); PubMed 11973624 (cited by 3 submitters); PubMed 18977788 (cited by Broad Center for Mendelian Genomics, Broad Institute of MIT and Harvard); PubMed 18285826 (cited by Broad Center for Mendelian Genomics, Broad Institute of MIT and Harvard and OMIM); PubMed 12037008 (cited by Eurofins Ntd Llc (ga)); PubMed 10880298 (cited by OMIM); PubMed 15516930 (cited by OMIM); PubMed 16400609 (cited by OMIM).